The following is an entry in ClinVar:

ClinVar aggregate classification (germline): Conflicting classifications of pathogenicity. Review status: criteria provided, conflicting classifications (1 of 4 stars). 3 submissions from 3 submitters: Uncertain significance (2); Likely benign (1). Last evaluated 2025-06-25.

Conditions:
Inborn genetic diseases. Identifiers: MedGen C0950123, MeSH D030342.

gnomAD v4.1: 56 of 1,536,782 alleles (0.0036%); highest among the groups gnomAD compares: Non-Finnish European, 0.0044%; no homozygotes.

Submissions (3):

Ambry Genetics
Classification: Uncertain significance for Inborn genetic diseases. Last evaluated: 2025-06-25. Review status: criteria provided, single submitter. Criteria: Ambry Variant Classification Scheme 2023. Collection method: clinical testing. Allele origin: germline.

CeGaT Center for Human Genetics Tuebingen
Classification: Likely benign. Last evaluated: 2024-10-01. Review status: criteria provided, single submitter. Criteria: CeGaT Center For Human Genetics Tuebingen Variant Classification Criteria Version 2. Collection method: clinical testing. Allele origin: germline. Affected: yes. Observed: 1 variant allele.
Comment: WDR26: PP2, BS1

Blueprint Genetics
Classification: Uncertain significance. Last evaluated: 2019-11-12. Review status: criteria provided, single submitter. Criteria: ACMG Guidelines, 2015. Collection method: clinical testing. Allele origin: germline.

NM_001379403.1(WDR26):c.563C>G (p.Ser188Cys)

Gene: WDR26 (WD repeat domain 26; minus strand). Cytogenetic location: 1q42.12.
Variant type: single nucleotide variant.
Coding change: c.563C>G on transcript NM_001379403.1 (MANE Select); coding-DNA position 563, C replaced by G.
Protein change: p.Ser188Cys; replaces serine 188 with cysteine.
Molecular consequence: missense variant.
Genome position (GRCh38, 1-based): chr1:224,433,843, G>C on the plus strand (C>G on the coding strand, the complement: WDR26 is on the minus strand). VCF-style: chr1-224433843-G-C. GRCh37 (hg19) VCF-style: chr1-224621545-G-C.
Other names: c.263C>G, p.Ser88Cys (NM_001115113.3, NM_025160.7); c.263C>G (NM_025160.6); short protein forms S188C, S88C.
Identifiers: ClinVar variation 3389123 (VCV003389123.16).
Genomic context (GRCh38, chr1:224,433,843, plus strand): 5'-GGGGTGGCCAAGGAAGAGGAGGCGGCGGTGGTGGCGGAGGCAGCTGCGACGGTGGCTGAG[G>C]ATGCGGCGGCCGCCCCGCCGGGAACCCCGTTATTGACATTCAGGCTGTTGCTATTGTTGC-3'
Protein context (NP_001366332.1, residues 178-198): NGVPGGAAAA[Ser188Cys]SATVAAASAT